The following is an entry in ClinVar:

NM_004747.4(DLG5):c.1870G>C (p.Glu624Gln)

Gene: DLG5 (discs large MAGUK scaffold protein 5; minus strand). Cytogenetic location: 10q22.3.
Variant type: single nucleotide variant.
Coding change: c.1870G>C on transcript NM_004747.4 (MANE Select); coding-DNA position 1870, G replaced by C.
Protein change: p.Glu624Gln; replaces glutamic acid 624 with glutamine.
Molecular consequence: missense variant.
Genome position (GRCh38, 1-based): chr10:77,830,752, C>G on the plus strand (G>C on the coding strand, the complement: DLG5 is on the minus strand). VCF-style: chr10-77830752-C-G. GRCh37 (hg19) VCF-style: chr10-79590510-C-G.
Other names: short protein forms E624Q.
Identifiers: ClinVar variation 719189 (VCV000719189.29), dbSNP rs77492655, ClinGen allele CA5570014.

ClinVar aggregate classification (germline): Benign. Review status: criteria provided, multiple submitters, no conflicts (2 of 4 stars). 3 submissions from 3 submitters: Benign (3). Last evaluated 2022-12-01.

Allele frequency attached by ClinVar (database versions not stated): 1000 Genomes Project 30x 0.00562; 1000 Genomes Project 0.00579; TOPMed 0.00970; ESP Exome Variant Server 0.01146.
gnomAD v4.1: 22,566 of 1,614,176 alleles (1.4%); highest among the groups gnomAD compares: Non-Finnish European, 1.7%; 202 homozygotes.

Submissions (3):

CeGaT Center for Human Genetics Tuebingen
Classification: Benign. Last evaluated: 2022-12-01. Review status: criteria provided, single submitter. Criteria: CeGaT Center For Human Genetics Tuebingen Variant Classification Criteria Version 2. Collection method: clinical testing. Allele origin: germline. Affected: yes. Observed: 1 variant allele.
Comment: DLG5: BS1, BS2

Labcorp Genetics (formerly Invitae), Labcorp
Classification: Benign. Last evaluated: 2019-12-31. Review status: criteria provided, single submitter. Criteria: Invitae Variant Classification Sherloc (09022015). Collection method: clinical testing. Allele origin: germline.

Breakthrough Genomics
Classification: Benign. Review status: criteria provided, single submitter. Criteria: ACMG Guidelines, 2015. Collection method: not provided. Allele origin: germline. Inheritance: Unknown mechanism. Affected: yes.